The following is an entry in ClinVar:

ClinVar aggregate classification (germline): Uncertain significance. Review status: criteria provided, multiple submitters, no conflicts (2 of 4 stars). 2 submissions from 2 submitters: Uncertain significance (2). Last evaluated 2025-08-29.

Conditions:
Inborn genetic diseases. Identifiers: MedGen C0950123, MeSH D030342.

gnomAD v4.1: 16 of 1,609,798 alleles (0.00099%); highest among the groups gnomAD compares: Admixed American, 0.0017%; no homozygotes.

Submissions (2):

Ambry Genetics
Classification: Uncertain significance for Inborn genetic diseases. Last evaluated: 2025-08-29. Review status: criteria provided, single submitter. Criteria: Ambry Variant Classification Scheme 2023. Collection method: clinical testing. Allele origin: germline.

Labcorp Genetics (formerly Invitae), Labcorp
Classification: Uncertain significance. Last evaluated: 2025-05-05. Review status: criteria provided, single submitter. Criteria: Invitae Variant Classification Sherloc (09022015). Collection method: clinical testing. Allele origin: germline.
Comment: This sequence change replaces arginine, which is basic and polar, with tryptophan, which is neutral and slightly polar, at codon 510 of the INTU protein (p.Arg510Trp). This variant is present in population databases (rs139830801, gnomAD 0.003%). This variant has not been reported in the literature in individuals affected with INTU-related conditions. Invitae Evidence Modeling of protein sequence and biophysical properties (such as structural, functional, and spatial information, amino acid conservation, physicochemical variation, residue mobility, and thermodynamic stability) indicates that this missense variant is expected to disrupt INTU protein function with a positive predictive value of 80%. In summary, the available evidence is currently insufficient to determine the role of this variant in disease. Therefore, it has been classified as a Variant of Uncertain Significance.

NM_015693.4(INTU):c.1528C>T (p.Arg510Trp)

Gene: INTU (inturned planar cell polarity protein; plus strand). Cytogenetic location: 4q28.1.
Variant type: single nucleotide variant.
Coding change: c.1528C>T on transcript NM_015693.4 (MANE Select); coding-DNA position 1528, C replaced by T.
Protein change: p.Arg510Trp; replaces arginine 510 with tryptophan.
Molecular consequence: missense variant.
Genome position (GRCh38, 1-based): chr4:127,704,252, C>T. VCF-style: chr4-127704252-C-T. GRCh37 (hg19) VCF-style: chr4-128625407-C-T.
Other names: short protein forms R510W.
Identifiers: ClinVar variation 4276065 (VCV004276065.2).